The following is an entry in ClinVar:

ClinVar aggregate classification (germline): Uncertain significance (1 of 4 stars; one submission).

Allele frequency attached by ClinVar (database versions not stated): gnomAD 0.00001.
gnomAD v4.1: 1 of 1,614,112 alleles (0.000062%); highest among the groups gnomAD compares: African/African-American, 0.0013%; no homozygotes.

Submission:

Labcorp Genetics (formerly Invitae), Labcorp
Classification: Uncertain significance. Last evaluated: 2022-08-23. Review status: criteria provided, single submitter. Criteria: Invitae Variant Classification Sherloc (09022015). Collection method: clinical testing. Allele origin: germline.
Comment: This sequence change replaces valine, which is neutral and non-polar, with isoleucine, which is neutral and non-polar, at codon 58 of the RTTN protein (p.Val58Ile). In summary, the available evidence is currently insufficient to determine the role of this variant in disease. Therefore, it has been classified as a Variant of Uncertain Significance. Algorithms developed to predict the effect of missense changes on protein structure and function are either unavailable or do not agree on the potential impact of this missense change (SIFT: "Deleterious"; PolyPhen-2: "Probably Damaging"; Align-GVGD: "Class C0"). ClinVar contains an entry for this variant (Variation ID: 1491856). This variant has not been reported in the literature in individuals affected with RTTN-related conditions. This variant is present in population databases (rs779827162, gnomAD 0.007%).

NM_173630.4(RTTN):c.172G>A (p.Val58Ile)

Gene: RTTN (rotatin; minus strand). Cytogenetic location: 18q22.2.
Variant type: single nucleotide variant.
Coding change: c.172G>A on transcript NM_173630.4 (MANE Select); coding-DNA position 172, G replaced by A.
Protein change: p.Val58Ile; replaces valine 58 with isoleucine.
Molecular consequence: missense variant. On other transcripts: 5 prime UTR variant (1).
Genome position (GRCh38, 1-based): chr18:70,205,175, C>T on the plus strand (G>A on the coding strand, the complement: RTTN is on the minus strand). VCF-style: chr18-70205175-C-T. GRCh37 (hg19) VCF-style: chr18-67872411-C-T.
Other names: c.-2382G>A (NM_001318520.2); short protein forms V58I.
Identifiers: ClinVar variation 1491856 (VCV001491856.6), dbSNP rs779827162, ClinGen allele CA8996568.